The following is an entry in ClinVar:

ClinVar aggregate classification (germline): Uncertain significance (1 of 4 stars; one submission).

Conditions:
Symmetrical dyschromatosis of extremities (DSH). Also called: DYSCHROMATOSIS SYMMETRICA HEREDITARIA 1; Dyschromatosis symmetrica hereditaria; RETICULATE ACROPIGMENTATION OF DOHI; SYMMETRIC DYSCHROMATOSIS OF THE EXTREMITIES. Identifiers: Orphanet 41, MedGen C0406775, MONDO:0007483, OMIM 127400.
Aicardi-Goutieres syndrome 6 (AGS6). Identifiers: Orphanet 51, MedGen C3539013, MONDO:0014007, OMIM 615010.

gnomAD v4.1: 1 of 1,614,188 alleles (0.000062%); highest among the groups gnomAD compares: East Asian, 0.0022%; no homozygotes.

Submission:

Labcorp Genetics (formerly Invitae), Labcorp
Classification: Uncertain significance for Aicardi-Goutieres syndrome 6; Symmetrical dyschromatosis of extremities. Last evaluated: 2022-06-07. Review status: criteria provided, single submitter. Criteria: Invitae Variant Classification Sherloc (09022015). Collection method: clinical testing. Allele origin: germline.
Comment: This variant has not been reported in the literature in individuals affected with ADAR-related conditions. This sequence change replaces asparagine, which is neutral and polar, with lysine, which is basic and polar, at codon 704 of the ADAR protein (p.Asn704Lys). This variant is not present in population databases (gnomAD no frequency). Algorithms developed to predict the effect of missense changes on protein structure and function (SIFT, PolyPhen-2, Align-GVGD) all suggest that this variant is likely to be tolerated. Algorithms developed to predict the effect of sequence changes on RNA splicing suggest that this variant may disrupt the consensus splice site. In summary, the available evidence is currently insufficient to determine the role of this variant in disease. Therefore, it has been classified as a Variant of Uncertain Significance.

NM_001111.5(ADAR):c.2112C>G (p.Asn704Lys)

Gene: ADAR (adenosine deaminase RNA specific; minus strand). Cytogenetic location: 1q21.3.
Variant type: single nucleotide variant.
Coding change: c.2112C>G on transcript NM_001111.5 (MANE Select); coding-DNA position 2112, C replaced by G.
Protein change: p.Asn704Lys; replaces asparagine 704 with lysine.
Molecular consequence: missense variant. On other transcripts: intron variant (1).
Genome position (GRCh38, 1-based): chr1:154,596,963, G>C on the plus strand (C>G on the coding strand, the complement: ADAR is on the minus strand). VCF-style: chr1-154596963-G-C. GRCh37 (hg19) VCF-style: chr1-154569439-G-C.
Other names: c.1227C>G, p.Asn409Lys (NM_001025107.3, NM_001193495.2, NM_001365046.1 and 3 more transcripts); c.2139C>G, p.Asn713Lys (NM_001365045.1); c.2112C>G, p.Asn704Lys (NM_015840.4); c.2080-25C>G (NM_015841.4); short protein forms N409K, N704K, N713K.
Identifiers: ClinVar variation 2002739 (VCV002002739.4), dbSNP rs1271172893, ClinGen allele CA342637991.